The following is an entry in ClinVar:

NM_013236.3(ATXN10):c.1173+54822_1173+54826ATTCT(360_370)

Genes: ATXN10 (ataxin 10; plus strand), LOC107181287 (origin of replication for ATXN10 repeat region; plus strand), LOC108660404 (ataxin 10 repeat instability region; plus strand). Cytogenetic location: 22q13.31.
Variant type: Microsatellite.
Coding change: c.1173+54822_1173+54826ATTCT(360_370) on transcript NM_013236.3.
Identifiers: ClinVar variation 39003 (VCV000039003.3).

ClinVar aggregate classification (germline): Pathogenic (0 of 4 stars; one submission).

Conditions:
Spinocerebellar ataxia type 10 (SCA10). Identifiers: Orphanet 98761, MedGen C1963674, MONDO:0011330, OMIM 603516.

Submission:

GeneReviews
Classification: Pathogenic for Spinocerebellar Ataxia Type10. Last evaluated: 2012-09-20. Review status: no assertion criteria provided. Collection method: curation. Allele origin: unknown.
ClinVar note: Converted during submission from pathologic to Pathogenic.